The following is an entry in ClinVar:

ClinVar aggregate classification (germline): Pathogenic. Review status: criteria provided, multiple submitters, no conflicts (2 of 4 stars). 2 submissions from 2 submitters: Pathogenic (2). Last evaluated 2024-03-04.

Conditions:
Fanconi anemia complementation group I (FANCI). Also called: FANCI-Related Fanconi Anemia. Identifiers: Orphanet 84, MedGen C1836861, MONDO:0012186, OMIM 609053.
Fanconi anemia (FA). Also called: Fanconi's anemia. Identifiers: Orphanet 84, MedGen C0015625, MeSH D005199, MONDO:0019391.

Allele frequency attached by ClinVar (database versions not stated): TOPMed below 0.00001.
gnomAD v4.1: 7 of 1,614,178 alleles (0.00043%); highest among the groups gnomAD compares: Non-Finnish European, 0.00059%; no homozygotes.

Submissions (2):

Baylor Genetics
Classification: Pathogenic for Fanconi anemia complementation group I. Last evaluated: 2024-03-04. Review status: criteria provided, single submitter. Criteria: ACMG Guidelines, 2015. Collection method: clinical testing. Allele origin: unknown.

Labcorp Genetics (formerly Invitae), Labcorp
Classification: Pathogenic for Fanconi anemia. Last evaluated: 2024-01-07. Review status: criteria provided, single submitter. Criteria: Invitae Variant Classification Sherloc (09022015). Collection method: clinical testing. Allele origin: germline.
Comment: This sequence change creates a premature translational stop signal (p.Gln1062*) in the FANCI gene. It is expected to result in an absent or disrupted protein product. Loss-of-function variants in FANCI are known to be pathogenic (PMID: 17452773, 17460694). This variant is not present in population databases (gnomAD no frequency). This premature translational stop signal has been observed in individual(s) with Fanconi Anemia (PMID: 32054657). ClinVar contains an entry for this variant (Variation ID: 2064506). For these reasons, this variant has been classified as Pathogenic.

Literature cited by the submitters: PubMed 17452773 (cited by Labcorp Genetics (formerly Invitae), Labcorp); PubMed 17460694 (cited by Labcorp Genetics (formerly Invitae), Labcorp); PubMed 32054657 (cited by Labcorp Genetics (formerly Invitae), Labcorp).

NM_001113378.2(FANCI):c.3184C>T (p.Gln1062Ter)

Gene: FANCI (FA complementation group I; plus strand). Cytogenetic location: 15q26.1.
Variant type: single nucleotide variant.
Coding change: c.3184C>T on transcript NM_001113378.2 (MANE Select); coding-DNA position 3184, C replaced by T.
Protein change: p.Gln1062Ter; replaces glutamine 1062 with a stop codon.
Molecular consequence: nonsense.
Genome position (GRCh38, 1-based): chr15:89,305,240, C>T. VCF-style: chr15-89305240-C-T. GRCh37 (hg19) VCF-style: chr15-89848471-C-T.
Other names: c.2905C>T, p.Gln969Ter (NM_001376910.1); c.3184C>T, p.Gln1062Ter (NM_001376911.1); c.3004C>T, p.Gln1002Ter (NM_018193.3); short protein forms Q1002*, Q1062*, Q969*.
Identifiers: ClinVar variation 2064506 (VCV002064506.6), dbSNP rs995746723, ClinGen allele CA274525357.
Genomic context (GRCh38, chr15:89,305,240, plus strand): 5'-CCTGTCATTCTGCTGCGTGACTTGTCCCAGGATATCCACGGGCATCTGGGAGATATAGAC[C>T]AGGTACTATAATGAGCCTTCAGTACAATACCCTGTGTGGGGATGGGGGTCAAGGGAACAA-3'